The following is an entry in ClinVar:

ClinVar aggregate classification (germline): Uncertain significance (1 of 4 stars; one submission).

gnomAD v4.1: 3 of 1,613,302 alleles (0.00019%); highest among the groups gnomAD compares: Non-Finnish European, 0.00025%; no homozygotes.

Submission:

Labcorp Genetics (formerly Invitae), Labcorp
Classification: Uncertain significance. Last evaluated: 2026-01-11. Review status: criteria provided, single submitter. Criteria: Invitae Variant Classification Sherloc (09022015). Collection method: clinical testing. Allele origin: germline.
Comment: This sequence change affects codon 158 of the SCN3A mRNA. It is a 'silent' change, meaning that it does not change the encoded amino acid sequence of the SCN3A protein. It affects a nucleotide within the consensus splice site. This variant is not present in population databases (gnomAD no frequency). This variant has not been reported in the literature in individuals affected with SCN3A-related conditions. Algorithms developed to predict the effect of sequence changes on RNA splicing suggest that this variant is not likely to affect RNA splicing. In summary, the available evidence is currently insufficient to determine the role of this variant in disease. Therefore, it has been classified as a Variant of Uncertain Significance.

NM_006922.4(SCN3A):c.474G>A (p.Glu158=)

Gene: SCN3A (sodium voltage-gated channel alpha subunit 3; minus strand). Cytogenetic location: 2q24.3.
Variant type: single nucleotide variant.
Coding change: c.474G>A on transcript NM_006922.4 (MANE Select); coding-DNA position 474, G replaced by A.
Protein change: p.Glu158=; no amino-acid change (glutamic acid 158 retained).
Molecular consequence: synonymous variant.
Genome position (GRCh38, 1-based): chr2:165,164,520, C>T on the plus strand (G>A on the coding strand, the complement: SCN3A is on the minus strand). VCF-style: chr2-165164520-C-T. GRCh37 (hg19) VCF-style: chr2-166021030-C-T.
Other names: c.474G>A, p.Glu158= (NM_001081676.2, NM_001081677.2).
Identifiers: ClinVar variation 4707990 (VCV004707990.1).